The following is an entry in ClinVar:

ClinVar aggregate classification (germline): Uncertain significance. Review status: criteria provided, multiple submitters, no conflicts (2 of 4 stars). 2 submissions from 2 submitters: Uncertain significance (2). Last evaluated 2025-02-21.

Conditions:
Hereditary cancer-predisposing syndrome. Also called: Neoplastic Syndromes, Hereditary; Tumor predisposition; Hereditary neoplastic syndrome; Hereditary Cancer Syndrome. Identifiers: Orphanet 140162, MedGen C0027672, MeSH D009386, MONDO:0015356.

Allele frequency attached by ClinVar (database versions not stated): ExAC below 0.00001; gnomAD exomes below 0.00001.
gnomAD v4.1: 2 of 1,612,646 alleles (0.00012%); highest among the groups gnomAD compares: South Asian, 0.0022%; no homozygotes.

Submissions (2):

Ambry Genetics
Classification: Uncertain significance for Hereditary cancer-predisposing syndrome. Last evaluated: 2025-02-21. Review status: criteria provided, single submitter. Criteria: Ambry Variant Classification Scheme 2023. Collection method: clinical testing. Allele origin: germline.
Comment: The p.Q247H variant (also known as c.741G>C), located in coding exon 7 of the APC gene, results from a G to C substitution at nucleotide position 741. The glutamine at codon 247 is replaced by histidine, an amino acid with highly similar properties. This amino acid position is highly conserved in available vertebrate species. In addition, in silico predictors for this gene do not accurately predict pathogenicity. Missense alterations in APC are not a common cause of disease (Spier I et al. Genet Med. 2024 Feb;26(2):100992). Based on the available evidence, the clinical significance of this variant remains unclear.

Color Diagnostics, LLC DBA Color Health
Classification: Uncertain significance for Hereditary cancer-predisposing syndrome. Last evaluated: 2023-12-05. Review status: criteria provided, single submitter. Criteria: ACMG Guidelines, 2015. Collection method: clinical testing. Allele origin: germline.
Comment: This missense variant replaces glutamine with histidine at codon 247 of the APC protein. Computational prediction tools and conservation analyses are inconclusive regarding the impact of this variant on the protein function. Computational splicing tools suggest that this variant may not impact RNA splicing. To our knowledge, functional assays have not been performed for this variant nor has this variant been reported in individuals affected with hereditary cancer in the literature. This variant has not been identified in the general population by the Genome Aggregation Database (gnomAD). Available evidence is insufficient to determine the role of this variant in disease conclusively. Therefore, this variant is classified as a Variant of Uncertain Significance.

NM_000038.6(APC):c.741G>C (p.Gln247His)

Gene: APC (APC regulator of Wnt signaling pathway; plus strand). Cytogenetic location: 5q22.2.
Variant type: single nucleotide variant.
Coding change: c.741G>C on transcript NM_000038.6 (MANE Select); coding-DNA position 741, G replaced by C.
Protein change: p.Gln247His; replaces glutamine 247 with histidine.
Molecular consequence: missense variant. On other transcripts: 5 prime UTR variant (1).
Genome position (GRCh38, 1-based): chr5:112,801,290, G>C. VCF-style: chr5-112801290-G-C. GRCh37 (hg19) VCF-style: chr5-112136987-G-C.
Other names: c.741G>C, p.Gln247His (NM_001127510.3, NM_001354895.2, NM_001354896.2 and 1 more transcripts); c.687G>C, p.Gln229His (NM_001127511.3); c.771G>C, p.Gln257His (NM_001354897.2, NM_001354902.2); c.666G>C, p.Gln222His (NM_001354898.2, NM_001354904.2); c.657G>C, p.Gln219His (NM_001354899.2); c.564G>C, p.Gln188His (NM_001354900.2, NM_001354901.2, NM_001354905.2); c.-295G>C (NM_001354906.2); short protein forms Q229H, Q188H, Q219H, Q247H, Q257H, Q222H.
Identifiers: ClinVar variation 827037 (VCV000827037.10), dbSNP rs778777021, ClinGen allele CA048019.